The following is an entry in ClinVar:

NM_014874.4(MFN2):c.2240T>G (p.Met747Arg)

Gene: MFN2 (mitofusin 2; plus strand). Cytogenetic location: 1p36.22.
Variant type: single nucleotide variant.
Coding change: c.2240T>G on transcript NM_014874.4 (MANE Select); coding-DNA position 2240, T replaced by G.
Protein change: p.Met747Arg; replaces methionine 747 with arginine.
Molecular consequence: missense variant.
Genome position (GRCh38, 1-based): chr1:12,011,531, T>G. VCF-style: chr1-12011531-T-G. GRCh37 (hg19) VCF-style: chr1-12071588-T-G.
Other names: c.2240T>G, p.Met747Arg (NM_001127660.2); short protein forms M747R.
Identifiers: ClinVar variation 246039 (VCV000246039.10), dbSNP rs879254059, ClinGen allele CA10584108.

ClinVar aggregate classification (germline): Uncertain significance. Review status: criteria provided, multiple submitters, no conflicts (2 of 4 stars). 2 submissions from 2 submitters: Uncertain significance (2). Last evaluated 2020-10-05.

Conditions:
Charcot-Marie-Tooth disease type 2. Also called: Charcot-Marie-Tooth type 2. Identifiers: Orphanet 64746, MedGen C0270914, MONDO:0018993.

Submissions (2):

Labcorp Genetics (formerly Invitae), Labcorp
Classification: Uncertain significance for Charcot-Marie-Tooth disease type 2. Last evaluated: 2020-10-05. Review status: criteria provided, single submitter. Criteria: Invitae Variant Classification Sherloc (09022015). Collection method: clinical testing. Allele origin: germline.
Comment: This variant disrupts the p.Met747 amino acid residue in MFN2. Other variant(s) that disrupt this residue have been observed in individuals with MFN2-related conditions (PMID: 20008656), which suggests that this may be a clinically significant amino acid residue. Algorithms developed to predict the effect of missense changes on protein structure and function are either unavailable or do not agree on the potential impact of this missense change (SIFT: "Tolerated"; PolyPhen-2: "Probably Damaging"; Align-GVGD: "Class C0"). In summary, the available evidence is currently insufficient to determine the role of this variant in disease. Therefore, it has been classified as a Variant of Uncertain Significance. This variant has been observed in individual(s) with Charcot-Marie-Tooth disease (PMID: 28660751). ClinVar contains an entry for this variant (Variation ID: 246039). This variant is not present in population databases (ExAC no frequency). This sequence change replaces methionine with arginine at codon 747 of the MFN2 protein (p.Met747Arg). The methionine residue is moderately conserved and there is a moderate physicochemical difference between methionine and arginine.

GeneDx
Classification: Uncertain significance. Last evaluated: 2016-10-17. Review status: criteria provided, single submitter. Criteria: GeneDx Variant Classification (06012015). Collection method: clinical testing. Allele origin: germline. Affected: yes.
Comment: The M747R variant has not been published as a pathogenic variant, nor has it been reported as a benign variant to our knowledge. It was not observed in approximately 6,500 individuals of European and African American ancestry in the NHLBI Exome Sequencing Project, indicating it is not a common benign variant in these populations. The M747R variant is a non-conservative amino acid substitution, which is likely to impact secondary protein structure as these residues differ in polarity, charge, size, and/or other properties. This substitution occurs at a position that is conserved across species. A different missense variant in the same codon (M747T) as well as missense variants in nearby residues (S743R, L745P, H750P) have been reported in the Human Gene Mutation Database in association with Charcot-Marie-Tooth disease type 2 (Stenson et al., 2014), supporting the functional importance of this region of the protein. In silico analysis is inconsistent in its predictions as to whether or not the variant is damaging to the protein structure/function. Based on the currently available information, it is unclear whether this variant is a pathogenic variant or a rare benign variant.

Literature cited by the submitters: PubMed 20008656 (cited by Labcorp Genetics (formerly Invitae), Labcorp); PubMed 28660751 (cited by Labcorp Genetics (formerly Invitae), Labcorp).